The following is an entry in ClinVar:

ClinVar aggregate classification (germline): Pathogenic. Review status: criteria provided, multiple submitters, no conflicts (2 of 4 stars). 4 submissions from 4 submitters: Pathogenic (2). 2 of the submissions do not count toward it. Last evaluated 2026-03-08.

Conditions:
Donnai-Barrow syndrome. Also called: FACIOOCULOACOUSTICORENAL SYNDROME; DBS/FOAR SYNDROME. Identifiers: Orphanet 2143, MedGen C1857277, MONDO:0009104, OMIM 222448.

Allele frequency attached by ClinVar (database versions not stated): TOPMed below 0.00001.
gnomAD v4.1: 1 of 1,613,822 alleles (0.000062%); highest among the groups gnomAD compares: Non-Finnish European, 0.000085%; no homozygotes.

Submissions (4):

Myriad Genetics, Inc.
Classification: Pathogenic for Donnai-Barrow syndrome. Last evaluated: 2026-03-08. Review status: criteria provided, single submitter. Criteria: Myriad Autosomal Dominant, Autosomal Recessive and X-Linked Classification Criteria (2023). Collection method: clinical testing. Allele origin: unknown.
Comment: NM_004525.2(LRP2):c.10195C>T(R3399*) is expected to be pathogenic in the context of Donnai-Barrow syndrome. This variant is predicted to lead to an abnormal or absent protein product due to the creation of a premature termination codon in LRP2, a gene where loss-of-function variants are known to be pathogenic. Please note: this variant was assessed in the context of healthy population screening.

Labcorp Genetics (formerly Invitae), Labcorp
Classification: Pathogenic. Last evaluated: 2023-10-06. Review status: criteria provided, single submitter. Criteria: Invitae Variant Classification Sherloc (09022015). Collection method: clinical testing. Allele origin: germline.
Comment: This sequence change creates a premature translational stop signal (p.Arg3399*) in the LRP2 gene. It is expected to result in an absent or disrupted protein product. Loss-of-function variants in LRP2 are known to be pathogenic (PMID: 17632512, 25682901). This variant is not present in population databases (gnomAD no frequency). This premature translational stop signal has been observed in individual(s) with Donnai-Barrow syndrome (PMID: 17632512). ClinVar contains an entry for this variant (Variation ID: 9455). For these reasons, this variant has been classified as Pathogenic.

OMIM
Classification: Pathogenic for DONNAI-BARROW SYNDROME. Last evaluated: 2007-08-01. Review status: no assertion criteria provided. Collection method: literature only. Allele origin: germline. Not counted in ClinVar's aggregate classification.

GeneReviews
No classification provided. Condition: Donnai-Barrow syndrome. Review status: no classification provided. Collection method: literature only. Allele origin: unknown. Not counted in ClinVar's aggregate classification.

Literature cited by the submitters: PubMed 17632512 (cited by 3 submitters); PubMed 25682901 (cited by Labcorp Genetics (formerly Invitae), Labcorp); PubMed 8266995 (cited by OMIM and GeneReviews); PubMed 20301732 (cited by GeneReviews); NCBI Bookshelf NBK1878 (cited by GeneReviews).

NM_004525.3(LRP2):c.10195C>T (p.Arg3399Ter)

Gene: LRP2 (LDL receptor related protein 2; minus strand). Cytogenetic location: 2q31.1.
Variant type: single nucleotide variant.
Coding change: c.10195C>T on transcript NM_004525.3 (MANE Select); coding-DNA position 10195, C replaced by T.
Protein change: p.Arg3399Ter; replaces arginine 3399 with a stop codon.
Molecular consequence: nonsense.
Genome position (GRCh38, 1-based): chr2:169,178,001, G>A on the plus strand (C>T on the coding strand, the complement: LRP2 is on the minus strand). VCF-style: chr2-169178001-G-A. GRCh37 (hg19) VCF-style: chr2-170034511-G-A.
Other names: short protein forms R3399*.
Identifiers: ClinVar variation 9455 (VCV000009455.8), dbSNP rs80338752, ClinGen allele CA340914.